The following is an entry in ClinVar:

ClinVar aggregate classification (germline): Uncertain significance (1 of 4 stars; one submission).

Allele frequency attached by ClinVar (database versions not stated): gnomAD exomes below 0.00001 and 0.00001; TOPMed below 0.00001; ExAC 0.00001; gnomAD 0.00001.
gnomAD v4.1: 5 of 1,612,586 alleles (0.00031%); highest among the groups gnomAD compares: African/African-American, 0.004%; no homozygotes.

Submission:

Labcorp Genetics (formerly Invitae), Labcorp
Classification: Uncertain significance. Last evaluated: 2021-09-26. Review status: criteria provided, single submitter. Criteria: Invitae Variant Classification Sherloc (09022015). Collection method: clinical testing. Allele origin: germline.
Comment: In summary, the available evidence is currently insufficient to determine the role of this variant in disease. Therefore, it has been classified as a Variant of Uncertain Significance. Algorithms developed to predict the effect of missense changes on protein structure and function (SIFT, PolyPhen-2, Align-GVGD) all suggest that this variant is likely to be tolerated. This variant has not been reported in the literature in individuals affected with SLC39A7-related conditions. This variant is present in population databases (rs755094577, ExAC 0.01%). This sequence change replaces arginine with glutamine at codon 342 of the SLC39A7 protein (p.Arg342Gln). The arginine residue is weakly conserved and there is a small physicochemical difference between arginine and glutamine.

NM_006979.3(SLC39A7):c.1025G>A (p.Arg342Gln)

Gene: SLC39A7 (solute carrier family 39 member 7; plus strand). Cytogenetic location: 6p21.32.
Variant type: single nucleotide variant.
Coding change: c.1025G>A on transcript NM_006979.3 (MANE Select); coding-DNA position 1025, G replaced by A.
Protein change: p.Arg342Gln; replaces arginine 342 with glutamine.
Molecular consequence: missense variant.
Genome position (GRCh38, 1-based): chr6:33,202,994, G>A. VCF-style: chr6-33202994-G-A. GRCh37 (hg19) VCF-style: chr6-33170771-G-A.
Other names: c.1025G>A, p.Arg342Gln (NM_001077516.2); c.650G>A, p.Arg217Gln (NM_001288777.2); short protein forms R217Q, R342Q.
Identifiers: ClinVar variation 1396889 (VCV001396889.6), dbSNP rs755094577, ClinGen allele CA3752411.